The following is an entry in ClinVar:

NM_001042492.3(NF1):c.1985_1986del (p.Lys662fs)

Gene: NF1 (neurofibromin 1; plus strand). Cytogenetic location: 17q11.2.
Variant type: Deletion.
Coding change: c.1985_1986del on transcript NM_001042492.3 (MANE Select); coding-DNA positions 1985 to 1986, 2 bases deleted (AA; older notation c.1985_1986delAA).
Protein change: p.Lys662fs; shifts the reading frame from lysine 662.
Molecular consequence: frameshift variant.
Genome position (GRCh38, 1-based): chr17:31,225,234-31,225,235, AA deleted; deleting any 2 consecutive bases within chr17:31,225,232-31,225,235 gives the same sequence; the c. name uses the placement nearest the transcript's 3' end. VCF-style (leftmost placement, unchanged base first): chr17-31225231-GAA-G. GRCh37 (hg19) VCF-style: chr17-29552249-GAA-G.
Other names: c.1985_1986delAA (NM_000267.3); c.1985_1986delAA, p.Lys662Argfs (NM_000267.4); short protein forms K662fs.
Identifiers: ClinVar variation 1405265 (VCV001405265.8), dbSNP rs2066993468, ClinGen allele CA2573153241.

ClinVar aggregate classification (germline): Pathogenic. Review status: criteria provided, multiple submitters, no conflicts (2 of 4 stars). 2 submissions from 2 submitters: Pathogenic (2). Last evaluated 2025-02-12.

Conditions:
Cardiovascular phenotype. Identifiers: MedGen CN230736.
Hereditary cancer-predisposing syndrome. Also called: Neoplastic Syndromes, Hereditary; Hereditary neoplastic syndrome; Hereditary Cancer Syndrome; Tumor predisposition. Identifiers: Orphanet 140162, MedGen C0027672, MeSH D009386, MONDO:0015356.
Neurofibromatosis, type 1 (NF1). Also called: NEUROFIBROMATOSIS, TYPE I, SOMATIC; Peripheral type neurofibromatosis; Neurofibromatosis, type I; VON RECKLINGHAUSEN DISEASE. Identifiers: Orphanet 636, MedGen C0027831, MONDO:0018975, OMIM 162200. Disease mechanism: loss of function.

Submissions (2):

Labcorp Genetics (formerly Invitae), Labcorp
Classification: Pathogenic for Neurofibromatosis, type 1. Last evaluated: 2025-02-12. Review status: criteria provided, single submitter. Criteria: Invitae Variant Classification Sherloc (09022015). Collection method: clinical testing. Allele origin: germline.
Comment: This sequence change creates a premature translational stop signal (p.Lys662Argfs*7) in the NF1 gene. It is expected to result in an absent or disrupted protein product. Loss-of-function variants in NF1 are known to be pathogenic (PMID: 10712197, 23913538). This variant is not present in population databases (gnomAD no frequency). This variant has not been reported in the literature in individuals affected with NF1-related conditions. ClinVar contains an entry for this variant (Variation ID: 1405265). For these reasons, this variant has been classified as Pathogenic.

Ambry Genetics
Classification: Pathogenic for Cardiovascular phenotype; Hereditary cancer-predisposing syndrome. Last evaluated: 2020-12-02. Review status: criteria provided, single submitter. Criteria: Ambry Variant Classification Scheme 2023. Collection method: clinical testing. Allele origin: germline.
Comment: The c.1985_1986delAA pathogenic mutation, located in coding exon 17 of the NF1 gene, results from a deletion of two nucleotides at nucleotide positions 1985 to 1986, causing a translational frameshift with a predicted alternate stop codon (p.K662Rfs*7). This variant was not reported in population-based cohorts in the Genome Aggregation Database (gnomAD). This alteration is expected to result in loss of function by premature protein truncation or nonsense-mediated mRNA decay. As such, this alteration is interpreted as a disease-causing mutation.

Literature cited by the submitters: PubMed 10712197 (cited by Labcorp Genetics (formerly Invitae), Labcorp); PubMed 23913538 (cited by Labcorp Genetics (formerly Invitae), Labcorp).